The following is an entry in ClinVar:

ClinVar aggregate classification (germline): Uncertain significance (1 of 4 stars; one submission).

Allele frequency attached by ClinVar (database versions not stated): gnomAD exomes 0.00001.
gnomAD v4.1: 10 of 1,614,160 alleles (0.00062%); highest among the groups gnomAD compares: South Asian, 0.0099%; no homozygotes.

Submission:

Labcorp Genetics (formerly Invitae), Labcorp
Classification: Uncertain significance. Last evaluated: 2024-04-25. Review status: criteria provided, single submitter. Criteria: Invitae Variant Classification Sherloc (09022015). Collection method: clinical testing. Allele origin: germline.
Comment: This sequence change replaces tyrosine, which is neutral and polar, with histidine, which is basic and polar, at codon 1276 of the CNTNAP1 protein (p.Tyr1276His). This variant is present in population databases (no rsID available, gnomAD 0.02%). This variant has not been reported in the literature in individuals affected with CNTNAP1-related conditions. ClinVar contains an entry for this variant (Variation ID: 1924146). An algorithm developed to predict the effect of missense changes on protein structure and function (PolyPhen-2) suggests that this variant is likely to be disruptive. In summary, the available evidence is currently insufficient to determine the role of this variant in disease. Therefore, it has been classified as a Variant of Uncertain Significance.

NM_003632.3(CNTNAP1):c.3826T>C (p.Tyr1276His)

Gene: CNTNAP1 (contactin associated protein 1; plus strand). Cytogenetic location: 17q21.2.
Variant type: single nucleotide variant.
Coding change: c.3826T>C on transcript NM_003632.3 (MANE Select); coding-DNA position 3826, T replaced by C.
Protein change: p.Tyr1276His; replaces tyrosine 1276 with histidine.
Molecular consequence: missense variant.
Genome position (GRCh38, 1-based): chr17:42,697,914, T>C. VCF-style: chr17-42697914-T-C. GRCh37 (hg19) VCF-style: chr17-40849932-T-C.
Other names: short protein forms Y1276H.
Identifiers: ClinVar variation 1924146 (VCV001924146.5), dbSNP rs1432826772, ClinGen allele CA399630630.